The following is an entry in ClinVar:

NM_004656.4(BAP1):c.430C>T (p.His144Tyr)

Gene: BAP1 (BRCA1 associated deubiquitinase 1; minus strand). Cytogenetic location: 3p21.1.
Variant type: single nucleotide variant.
Coding change: c.430C>T on transcript NM_004656.4 (MANE Select); coding-DNA position 430, C replaced by T.
Protein change: p.His144Tyr; replaces histidine 144 with tyrosine.
Molecular consequence: missense variant.
Genome position (GRCh38, 1-based): chr3:52,407,406, G>A on the plus strand (C>T on the coding strand, the complement: BAP1 is on the minus strand). VCF-style: chr3-52407406-G-A. GRCh37 (hg19) VCF-style: chr3-52441422-G-A.
Other names: c.430C>T, p.His144Tyr (NM_001410772.1); short protein forms H144Y.
Identifiers: ClinVar variation 3819418 (VCV003819418.1).

ClinVar aggregate classification (germline): Uncertain significance (1 of 4 stars; one submission).

Conditions:
Hereditary cancer-predisposing syndrome. Also called: Hereditary neoplastic syndrome; Neoplastic Syndromes, Hereditary; Tumor predisposition; Hereditary Cancer Syndrome. Identifiers: Orphanet 140162, MedGen C0027672, MeSH D009386, MONDO:0015356.

Submission:

Ambry Genetics
Classification: Uncertain significance for Hereditary cancer-predisposing syndrome. Last evaluated: 2025-03-12. Review status: criteria provided, single submitter. Criteria: Ambry Variant Classification Scheme 2023. Collection method: clinical testing. Allele origin: germline.
Comment: The p.H144Y variant (also known as c.430C>T), located in coding exon 6 of the BAP1 gene, results from a C to T substitution at nucleotide position 430. The histidine at codon 144 is replaced by tyrosine, an amino acid with similar properties. This amino acid position is conserved. In addition, this alteration is predicted to be tolerated by in silico analysis. Based on the available evidence, the clinical significance of this variant remains unclear.